The following is an entry in ClinVar:

ClinVar aggregate classification (germline): Uncertain significance (1 of 4 stars; one submission).

Allele frequency attached by ClinVar (database versions not stated): TOPMed below 0.00001.

Submission:

Labcorp Genetics (formerly Invitae), Labcorp
Classification: Uncertain significance. Last evaluated: 2024-11-18. Review status: criteria provided, single submitter. Criteria: Invitae Variant Classification Sherloc (09022015). Collection method: clinical testing. Allele origin: germline.
Comment: This sequence change replaces isoleucine, which is neutral and non-polar, with valine, which is neutral and non-polar, at codon 853 of the DISP1 protein (p.Ile853Val). This variant is not present in population databases (gnomAD no frequency). This variant has not been reported in the literature in individuals affected with DISP1-related conditions. ClinVar contains an entry for this variant (Variation ID: 3011131). An algorithm developed to predict the effect of missense changes on protein structure and function (PolyPhen-2) suggests that this variant is likely to be tolerated. In summary, the available evidence is currently insufficient to determine the role of this variant in disease. Therefore, it has been classified as a Variant of Uncertain Significance.

NM_001377229.1(DISP1):c.2557A>G (p.Ile853Val)

Gene: DISP1 (dispatched RND transporter family member 1; plus strand). Cytogenetic location: 1q41.
Variant type: single nucleotide variant.
Coding change: c.2557A>G on transcript NM_001377229.1 (MANE Select); coding-DNA position 2557, A replaced by G.
Protein change: p.Ile853Val; replaces isoleucine 853 with valine.
Molecular consequence: missense variant.
Genome position (GRCh38, 1-based): chr1:223,003,954, A>G. VCF-style: chr1-223003954-A-G. GRCh37 (hg19) VCF-style: chr1-223177296-A-G.
Other names: c.2557A>G, p.Ile853Val (NM_032890.5, NM_001369594.1, NM_001377228.1); c.1828A>G, p.Ile610Val (NM_001350630.2); short protein forms I610V, I853V.
Identifiers: ClinVar variation 3011131 (VCV003011131.3), dbSNP rs992451674, ClinGen allele CA38408514.
Genomic context (GRCh38, chr1:223,003,954, plus strand): 5'-AAACTGAGAAACCAAACATTCTTTTACCAGACTGATGAACAGGACTTCACCAGCTGCTTC[A>G]TTGAGACATTCAAACAGTGGATGGAAAACCAGGACTGTGATGAGCCTGCCCTGTACCCAT-3'
Protein context (NP_001364158.1, residues 843-863): TDEQDFTSCF[Ile853Val]ETFKQWMENQ